The following is an entry in ClinVar:

ClinVar aggregate classification (germline): Uncertain significance (1 of 4 stars; one submission).

Conditions:
Hereditary cancer-predisposing syndrome. Also called: Tumor predisposition; Hereditary Cancer Syndrome; Hereditary neoplastic syndrome; Neoplastic Syndromes, Hereditary. Identifiers: Orphanet 140162, MedGen C0027672, MeSH D009386, MONDO:0015356.

Submission:

Ambry Genetics
Classification: Uncertain significance for Hereditary cancer-predisposing syndrome. Last evaluated: 2024-03-18. Review status: criteria provided, single submitter. Criteria: Ambry Variant Classification Scheme 2023. Collection method: clinical testing. Allele origin: germline.
Comment: The p.H241N variant (also known as c.721C>A), located in coding exon 5 of the NTHL1 gene, results from a C to A substitution at nucleotide position 721. The histidine at codon 241 is replaced by asparagine, an amino acid with similar properties. This amino acid position is conserved. In addition, the in silico prediction for this alteration is inconclusive. Based on the available evidence, the clinical significance of this alteration remains unclear.

NM_002528.7(NTHL1):c.697C>A (p.His233Asn)

Gene: NTHL1 (nth like DNA glycosylase 1; minus strand). Cytogenetic location: 16p13.3.
Variant type: single nucleotide variant.
Coding change: c.697C>A on transcript NM_002528.7 (MANE Select); coding-DNA position 697, C replaced by A.
Protein change: p.His233Asn; replaces histidine 233 with asparagine.
Molecular consequence: missense variant.
Genome position (GRCh38, 1-based): chr16:2,040,227, G>T on the plus strand (C>A on the coding strand, the complement: NTHL1 is on the minus strand). VCF-style: chr16-2040227-G-T. GRCh37 (hg19) VCF-style: chr16-2090228-G-T.
Other names: c.526C>A, p.His176Asn (NM_001318193.2); c.367C>A, p.His123Asn (NM_001318194.2); short protein forms H123N, H176N, H233N.
Identifiers: ClinVar variation 3301251 (VCV003301251.1).